The following is an entry in ClinVar:

NM_000441.2(SLC26A4):c.296C>A (p.Thr99Lys)

Gene: SLC26A4 (solute carrier family 26 member 4; plus strand). Cytogenetic location: 7q22.3.
Variant type: single nucleotide variant.
Coding change: c.296C>A on transcript NM_000441.2 (MANE Select); coding-DNA position 296, C replaced by A.
Protein change: p.Thr99Lys; replaces threonine 99 with lysine.
Molecular consequence: missense variant.
Genome position (GRCh38, 1-based): chr7:107,663,427, C>A. VCF-style: chr7-107663427-C-A. GRCh37 (hg19) VCF-style: chr7-107303872-C-A.
Other names: short protein forms T99K.
Identifiers: ClinVar variation 3343610 (VCV003343610.1).

ClinVar aggregate classification (germline): Uncertain significance (1 of 4 stars; one submission).

gnomAD v4.1: 1 of 1,613,976 alleles (0.000062%); highest among the groups gnomAD compares: Admixed American, 0.0017%; no homozygotes.

Submission:

GeneDx
Classification: Uncertain significance. Last evaluated: 2023-05-15. Review status: criteria provided, single submitter. Criteria: GeneDx Variant Classification Process June 2021. Collection method: clinical testing. Allele origin: germline. Affected: yes.
Comment: Not observed at significant frequency in large population cohorts (gnomAD); In silico analysis supports that this missense variant has a deleterious effect on protein structure/function; Has not been previously published as pathogenic or benign to our knowledge